The following is an entry in ClinVar:

NM_001271.4(CHD2):c.1417C>T (p.Gln473Ter)

Gene: CHD2 (chromodomain helicase DNA binding protein 2; plus strand). Cytogenetic location: 15q26.1.
Variant type: single nucleotide variant.
Coding change: c.1417C>T on transcript NM_001271.4 (MANE Select); coding-DNA position 1417, C replaced by T.
Protein change: p.Gln473Ter; replaces glutamine 473 with a stop codon.
Molecular consequence: nonsense.
Genome position (GRCh38, 1-based): chr15:92,948,991, C>T. VCF-style: chr15-92948991-C-T. GRCh37 (hg19) VCF-style: chr15-93492221-C-T.
Other names: c.1417C>T, p.Gln473Ter (NM_001042572.3); short protein forms Q473*.
Identifiers: ClinVar variation 1772156 (VCV001772156.2), dbSNP rs2505468711, ClinGen allele CA393904135.

ClinVar aggregate classification (germline): Pathogenic (1 of 4 stars; one submission).

Conditions:
Inborn genetic diseases. Identifiers: MedGen C0950123, MeSH D030342.

Submission:

Ambry Genetics
Classification: Pathogenic for Inborn genetic diseases. Last evaluated: 2019-10-24. Review status: criteria provided, single submitter. Criteria: Ambry Variant Classification Scheme 2023. Collection method: clinical testing. Allele origin: germline.
Comment: The p.Q473* pathogenic mutation (also known as c.1417C>T), located in coding exon 12 of the CHD2 gene, results from a C to T substitution at nucleotide position 1417. This changes the amino acid from a glutamine to a stop codon within coding exon 12. This alteration is expected to result in loss of function by premature protein truncation or nonsense-mediated mRNA decay. As such, this alteration is interpreted as a disease-causing mutation.